The following is an entry in ClinVar:

ClinVar aggregate classification (germline): Uncertain significance (1 of 4 stars; one submission).

Conditions:
Vici syndrome (VICIS). Identifiers: Orphanet 1493, MedGen C1855772, MONDO:0009452, OMIM 242840.

Allele frequency attached by ClinVar (database versions not stated): gnomAD 0.00003 and 0.00004; TOPMed 0.00005.
gnomAD v4.1: 9 of 1,614,064 alleles (0.00056%); highest among the groups gnomAD compares: African/African-American, 0.0093%; no homozygotes.

Submission:

Labcorp Genetics (formerly Invitae), Labcorp
Classification: Uncertain significance for Vici syndrome. Last evaluated: 2022-08-23. Review status: criteria provided, single submitter. Criteria: Invitae Variant Classification Sherloc (09022015). Collection method: clinical testing. Allele origin: germline.
Comment: This sequence change replaces glycine, which is neutral and non-polar, with aspartic acid, which is acidic and polar, at codon 1016 of the EPG5 protein (p.Gly1016Asp). This variant is present in population databases (no rsID available, gnomAD 0.01%). This variant has not been reported in the literature in individuals affected with EPG5-related conditions. ClinVar contains an entry for this variant (Variation ID: 956073). Algorithms developed to predict the effect of missense changes on protein structure and function (SIFT, PolyPhen-2, Align-GVGD) all suggest that this variant is likely to be tolerated. Algorithms developed to predict the effect of sequence changes on RNA splicing suggest that this variant may create or strengthen a splice site. In summary, the available evidence is currently insufficient to determine the role of this variant in disease. Therefore, it has been classified as a Variant of Uncertain Significance.

NM_020964.3(EPG5):c.3047G>A (p.Gly1016Asp)

Gene: EPG5 (ectopic P-granules 5 autophagy tethering factor; minus strand). Cytogenetic location: 18q21.1.
Variant type: single nucleotide variant.
Coding change: c.3047G>A on transcript NM_020964.3 (MANE Select); coding-DNA position 3047, G replaced by A.
Protein change: p.Gly1016Asp; replaces glycine 1016 with aspartic acid.
Molecular consequence: missense variant.
Genome position (GRCh38, 1-based): chr18:45,922,392, C>T on the plus strand (G>A on the coding strand, the complement: EPG5 is on the minus strand). VCF-style: chr18-45922392-C-T. GRCh37 (hg19) VCF-style: chr18-43502358-C-T.
Other names: short protein forms G1016D.
Identifiers: ClinVar variation 956073 (VCV000956073.5), dbSNP rs946420837, ClinGen allele CA299768027.